The following is an entry in ClinVar:

NM_001367823.1(ARHGEF18):c.3593C>T (p.Ala1198Val)

Gene: ARHGEF18 (Rho/Rac guanine nucleotide exchange factor 18; plus strand). Cytogenetic location: 19p13.2.
Variant type: single nucleotide variant.
Coding change: c.3593C>T on transcript NM_001367823.1 (MANE Select); coding-DNA position 3593, C replaced by T.
Protein change: p.Ala1198Val; replaces alanine 1198 with valine.
Molecular consequence: missense variant.
Genome position (GRCh38, 1-based): chr19:7,468,937, C>T. VCF-style: chr19-7468937-C-T. GRCh37 (hg19) VCF-style: chr19-7533823-C-T.
Other names: c.2867C>T, p.Ala956Val (NM_001130955.2); c.2555C>T, p.Ala852Val (NM_001367824.1, NM_015318.4); short protein forms A1198V, A852V, A956V.
Identifiers: ClinVar variation 774523 (VCV000774523.36), dbSNP rs201984212, ClinGen allele CA9137180.

ClinVar aggregate classification (germline): Benign. Review status: criteria provided, multiple submitters, no conflicts (2 of 4 stars). 4 submissions from 4 submitters: Benign (3). 1 of the submissions does not count toward it. Last evaluated 2026-02-02.

Conditions:
ARHGEF18-related disorder. Also called: ARHGEF18-related condition.

Allele frequency attached by ClinVar (database versions not stated): 1000 Genomes Project 0.00180; 1000 Genomes Project 30x 0.00234; gnomAD exomes 0.00559 and 0.01048; gnomAD 0.00644 and 0.00663; TOPMed 0.00664; ESP Exome Variant Server 0.00723; ExAC 0.00784.
gnomAD v4.1: 15,743 of 1,574,124 alleles (1%); highest among the groups gnomAD compares: Non-Finnish European, 1.3%; 100 homozygotes.

Submissions (4):

Labcorp Genetics (formerly Invitae), Labcorp
Classification: Benign. Last evaluated: 2026-02-02. Review status: criteria provided, single submitter. Criteria: Invitae Variant Classification Sherloc (09022015). Collection method: clinical testing. Allele origin: germline.

CeGaT Center for Human Genetics Tuebingen
Classification: Benign. Last evaluated: 2024-08-01. Review status: criteria provided, single submitter. Criteria: CeGaT Center For Human Genetics Tuebingen Variant Classification Criteria Version 2. Collection method: clinical testing. Allele origin: germline. Affected: yes. Observed: 4 variant alleles.
Comment: ARHGEF18: BP4, BS1, BS2

Breakthrough Genomics
Classification: Benign. Review status: criteria provided, single submitter. Criteria: ACMG Guidelines, 2015. Collection method: not provided. Allele origin: germline. Inheritance: Autosomal recessive inheritance. Affected: yes.

PreventionGenetics, part of Exact Sciences
Classification: Benign for ARHGEF18-related condition. Last evaluated: 2019-06-07. Review status: no assertion criteria provided. Collection method: clinical testing. Allele origin: germline. Not counted in ClinVar's aggregate classification.
Comment: This variant is classified as benign based on ACMG/AMP sequence variant interpretation guidelines (Richards et al. 2015 PMID: 25741868, with internal and published modifications).